The following is an entry in ClinVar:

NM_006254.4(PRKCD):c.693C>T (p.His231=)

Gene: PRKCD (protein kinase C delta; plus strand). Cytogenetic location: 3p21.1.
Variant type: single nucleotide variant.
Coding change: c.693C>T on transcript NM_006254.4 (MANE Select); coding-DNA position 693, C replaced by T.
Protein change: p.His231=; no amino-acid change (histidine 231 retained).
Molecular consequence: synonymous variant.
Genome position (GRCh38, 1-based): chr3:53,183,487, C>T. VCF-style: chr3-53183487-C-T. GRCh37 (hg19) VCF-style: chr3-53217503-C-T.
Other names: p.His231=; c.693C>T, p.His231= (NM_001316327.2, NM_001354679.2, NM_001354680.2 and 1 more transcripts); c.750C>T, p.His250= (NM_001354676.2); c.741C>T, p.His247= (NM_001354678.2).
Identifiers: ClinVar variation 711495 (VCV000711495.12), dbSNP rs982499152, ClinGen allele CA74812577.

ClinVar aggregate classification (germline): Likely benign. Review status: criteria provided, multiple submitters, no conflicts (2 of 4 stars). 3 submissions from 3 submitters: Likely benign (3). Last evaluated 2026-02-01.

Conditions:
Autoimmune lymphoproliferative syndrome, type III caused by mutation in PRKCD. Identifiers: Orphanet 3261, Orphanet 664711, MedGen C3809928, MONDO:8000024, OMIM 615559.

Allele frequency attached by ClinVar (database versions not stated): gnomAD exomes 0.00001 and 0.00004; TOPMed 0.00002; gnomAD 0.00003 and 0.00004.
gnomAD v4.1: 69 of 1,614,120 alleles (0.0043%); highest among the groups gnomAD compares: Non-Finnish European, 0.0055%; 1 homozygote.

Submissions (3):

CeGaT Center for Human Genetics Tuebingen
Classification: Likely benign. Last evaluated: 2026-02-01. Review status: criteria provided, single submitter. Criteria: CeGaT Center For Human Genetics Tuebingen Variant Classification Criteria Version 2. Collection method: clinical testing. Allele origin: germline. Affected: yes. Observed: 1 variant allele.
Comment: PRKCD: BP4, BP7

Labcorp Genetics (formerly Invitae), Labcorp
Classification: Likely benign for Autoimmune lymphoproliferative syndrome, type III caused by mutation in PRKCD. Last evaluated: 2026-01-05. Review status: criteria provided, single submitter. Criteria: Invitae Variant Classification Sherloc (09022015). Collection method: clinical testing. Allele origin: germline.

Mayo Clinic Laboratories, Mayo Clinic
Classification: Likely benign. Last evaluated: 2025-04-23. Review status: criteria provided, single submitter. Criteria: ACMG Guidelines, 2015. Collection method: clinical testing. Allele origin: germline. Observed: 1 variant allele.
Comment: BP4, BP7, PM2_supporting